The following is an entry in ClinVar:

ClinVar aggregate classification (germline): Uncertain significance. Review status: criteria provided, multiple submitters, no conflicts (2 of 4 stars). 2 submissions from 2 submitters: Uncertain significance (2). Last evaluated 2021-07-26.

Conditions:
Bartter disease type 4A. Also called: BARTTER SYNDROME, TYPE 4A, NEONATAL, WITH SENSORINEURAL DEAFNESS; BARTTER SYNDROME, NEONATAL, WITH SENSORINEURAL DEAFNESS. Identifiers: Orphanet 112, MedGen C1865270, MONDO:0011242, OMIM 602522.

Allele frequency attached by ClinVar (database versions not stated): gnomAD exomes below 0.00001.
gnomAD v4.1: 3 of 1,614,158 alleles (0.00019%); highest among the groups gnomAD compares: Middle Eastern, 0.016%; no homozygotes.

Submissions (2):

Fulgent Genetics
Classification: Uncertain significance for Bartter disease type 4A. Last evaluated: 2021-07-26. Review status: criteria provided, single submitter. Criteria: ACMG Guidelines, 2015. Collection method: clinical testing. Allele origin: unknown.

GeneDx
Classification: Uncertain significance. Last evaluated: 2019-09-12. Review status: criteria provided, single submitter. Criteria: GeneDx Variant Classification Process June 2021. Collection method: clinical testing. Allele origin: germline. Affected: yes.
Comment: Not observed at a significant frequency in large population cohorts (Lek et al., 2016); In silico analysis, which includes protein predictors and evolutionary conservation, supports that this variant does not alter protein structure/function; Has not been previously published as pathogenic or benign to our knowledge

NM_057176.3(BSND):c.868A>G (p.Lys290Glu)

Gene: BSND (barttin CLCNK type accessory subunit beta; plus strand). Cytogenetic location: 1p32.3.
Variant type: single nucleotide variant.
Coding change: c.868A>G on transcript NM_057176.3 (MANE Select); coding-DNA position 868, A replaced by G.
Protein change: p.Lys290Glu; replaces lysine 290 with glutamic acid.
Molecular consequence: missense variant.
Genome position (GRCh38, 1-based): chr1:55,008,533, A>G. VCF-style: chr1-55008533-A-G. GRCh37 (hg19) VCF-style: chr1-55474206-A-G.
Other names: short protein forms K290E.
Identifiers: ClinVar variation 1311833 (VCV001311833.3), dbSNP rs1285206495, ClinGen allele CA340479429.